The following is an entry in ClinVar:

ClinVar aggregate classification (germline): Uncertain significance (1 of 4 stars; one submission).

gnomAD v4.1: 2 of 1,614,016 alleles (0.00012%); highest among the groups gnomAD compares: Non-Finnish European, 0.000085%; no homozygotes.

Submission:

Labcorp Genetics (formerly Invitae), Labcorp
Classification: Uncertain significance. Last evaluated: 2022-12-24. Review status: criteria provided, single submitter. Criteria: Invitae Variant Classification Sherloc (09022015). Collection method: clinical testing. Allele origin: germline.
Comment: In summary, the available evidence is currently insufficient to determine the role of this variant in disease. Therefore, it has been classified as a Variant of Uncertain Significance. Advanced modeling of protein sequence and biophysical properties (such as structural, functional, and spatial information, amino acid conservation, physicochemical variation, residue mobility, and thermodynamic stability) performed at Invitae indicates that this missense variant is not expected to disrupt FLNB protein function. This variant has not been reported in the literature in individuals affected with FLNB-related conditions. This variant is not present in population databases (gnomAD no frequency). This sequence change replaces alanine, which is neutral and non-polar, with proline, which is neutral and non-polar, at codon 2282 of the FLNB protein (p.Ala2282Pro).

NM_001457.4(FLNB):c.6844G>C (p.Ala2282Pro)

Gene: FLNB (filamin B; plus strand). Cytogenetic location: 3p14.3.
Variant type: single nucleotide variant.
Coding change: c.6844G>C on transcript NM_001457.4 (MANE Select); coding-DNA position 6844, G replaced by C.
Protein change: p.Ala2282Pro; replaces alanine 2282 with proline.
Molecular consequence: missense variant.
Genome position (GRCh38, 1-based): chr3:58,156,031, G>C. VCF-style: chr3-58156031-G-C. GRCh37 (hg19) VCF-style: chr3-58141758-G-C.
Other names: c.6937G>C, p.Ala2313Pro (NM_001164317.2); c.6811G>C, p.Ala2271Pro (NM_001164318.2); c.6772G>C, p.Ala2258Pro (NM_001164319.2); short protein forms A2271P, A2313P, A2258P, A2282P.
Identifiers: ClinVar variation 2961689 (VCV002961689.3), dbSNP rs1339176246, ClinGen allele CA353362196.